The following is an entry in ClinVar:

NM_001556.3(IKBKB):c.1669G>C (p.Gly557Arg)

Gene: IKBKB (inhibitor of nuclear factor kappa B kinase subunit beta; plus strand). Cytogenetic location: 8p11.21.
Variant type: single nucleotide variant.
Coding change: c.1669G>C on transcript NM_001556.3 (MANE Select); coding-DNA position 1669, G replaced by C.
Protein change: p.Gly557Arg; replaces glycine 557 with arginine.
Molecular consequence: missense variant. On other transcripts: non-coding transcript variant (3).
Genome position (GRCh38, 1-based): chr8:42,320,825, G>C. VCF-style: chr8-42320825-G-C. GRCh37 (hg19) VCF-style: chr8-42178343-G-C.
Other names: c.1477G>C, p.Gly493Arg (NM_001190720.3); c.1492G>C, p.Gly498Arg (NM_001242778.2); short protein forms G493R, G498R, G557R.
Identifiers: ClinVar variation 2420001 (VCV002420001.7), dbSNP rs149701177, ClinGen allele CA4732074.

ClinVar aggregate classification (germline): Uncertain significance (1 of 4 stars; one submission).

Conditions:
Severe combined immunodeficiency due to IKK2 deficiency. Also called: Immunodeficiency 15; IMMUNODEFICIENCY 15B. Identifiers: Orphanet 397787, MedGen C4747743, MONDO:0014267, OMIM 615592.

gnomAD v4.1: 3 of 1,599,808 alleles (0.00019%); highest among the groups gnomAD compares: East Asian, 0.0022%; no homozygotes.

Submission:

Labcorp Genetics (formerly Invitae), Labcorp
Classification: Uncertain significance for Severe combined immunodeficiency due to IKK2 deficiency. Last evaluated: 2024-05-22. Review status: criteria provided, single submitter. Criteria: Invitae Variant Classification Sherloc (09022015). Collection method: clinical testing. Allele origin: germline.
Comment: This sequence change replaces glycine, which is neutral and non-polar, with arginine, which is basic and polar, at codon 557 of the IKBKB protein (p.Gly557Arg). This variant is present in population databases (rs149701177, gnomAD 0.004%). This variant has not been reported in the literature in individuals affected with IKBKB-related conditions. ClinVar contains an entry for this variant (Variation ID: 2420001). Advanced modeling of protein sequence and biophysical properties (such as structural, functional, and spatial information, amino acid conservation, physicochemical variation, residue mobility, and thermodynamic stability) performed at Invitae indicates that this missense variant is not expected to disrupt IKBKB protein function with a negative predictive value of 95%. In summary, the available evidence is currently insufficient to determine the role of this variant in disease. Therefore, it has been classified as a Variant of Uncertain Significance.